The following is an entry in ClinVar:

ClinVar aggregate classification (germline): Pathogenic (1 of 4 stars; one submission).

Conditions:
Microcephalic primordial dwarfism, Alazami type. Also called: FACIAL DYSMORPHISM, INTELLECTUAL DISABILITY, AND PRIMORDIAL DWARFISM; Alazami syndrome. Identifiers: Orphanet 319671, MedGen C3554439, MONDO:0014031, OMIM 615071.

Allele frequency attached by ClinVar (database versions not stated): TOPMed below 0.00001.
gnomAD v4.1: 15 of 1,596,528 alleles (0.00094%); highest among the groups gnomAD compares: Non-Finnish European, 0.0013%; no homozygotes.

Submission:

Victorian Clinical Genetics Services, Murdoch Childrens Research Institute
Classification: Pathogenic for Microcephalic primordial dwarfism, Alazami type. Last evaluated: 2023-07-17. Review status: criteria provided, single submitter. Criteria: ACMG Guidelines, 2015. Collection method: clinical testing. Allele origin: germline. Inheritance: Autosomal recessive inheritance. Affected: yes.
Comment: Based on the classification scheme VCGS_Germline_v1.3.4, this variant is classified as Pathogenic. Following criteria are met: 0102 - Loss of function is a known mechanism of disease in this gene and is associated with Alazami syndrome. (I) 0106 - This gene is associated with autosomal recessive disease. (I) 0201 - Variant is predicted to cause nonsense-mediated decay (NMD) and loss of protein (premature termination codon is located at least 54 nucleotides upstream of the final exon-exon junction). (SP) 0251 - This variant is heterozygous. (I) 0301 - Variant is absent from gnomAD (both v2 and v3). (SP) 0701 - Other NMD-predicted variants comparable to the one identified in this case have very strong previous evidence for pathogenicity. Other NMD-predicted variants have been identified homozygous and compound heterozygous in individuals affected with Alazami syndrome (ClinVar, PMID: 30426380, PMID: 29619239, PMID: 26374271, PMID: 31074943, PMID: 30006060). (SP) 0807 - This variant has no previous evidence of pathogenicity. (I) 0905 - No published segregation evidence has been identified for this variant. (I) 1007 - No published functional evidence has been identified for this variant. (I) Legend: (SP) - Supporting pathogenic, (I) - Information, (SB) - Supporting benign

Literature cited by the submitters: PubMed 26374271; PubMed 29619239; PubMed 30006060; PubMed 30426380; PubMed 31074943.

NM_016648.4(LARP7):c.290C>A (p.Ser97Ter)

Gene: LARP7 (La ribonucleoprotein 7, transcriptional regulator; plus strand). Cytogenetic location: 4q25.
Variant type: single nucleotide variant.
Coding change: c.290C>A on transcript NM_016648.4 (MANE Select); coding-DNA position 290, C replaced by A.
Protein change: p.Ser97Ter; replaces serine 97 with a stop codon.
Molecular consequence: nonsense.
Genome position (GRCh38, 1-based): chr4:112,646,438, C>A. VCF-style: chr4-112646438-C-A. GRCh37 (hg19) VCF-style: chr4-113567594-C-A.
Other names: c.290C>A, p.Ser97Ter (NM_001267039.4, NM_001370974.1, NM_001370975.1 and 6 more transcripts); c.53C>A, p.Ser18Ter (NM_001370981.1, NM_001370982.1); short protein forms S18*, S97*.
Identifiers: ClinVar variation 1805499 (VCV001805499.2), dbSNP rs2048243728, ClinGen allele CA357921726.